The following is an entry in ClinVar:

ClinVar aggregate classification (germline): Uncertain significance (1 of 4 stars; one submission).

Conditions:
Developmental and epileptic encephalopathy, 30 (DEE30). Also called: Epileptic encephalopathy, early infantile, 30. Identifiers: MedGen C4225360, MONDO:0014595, OMIM 616341.

Submission:

Labcorp Genetics (formerly Invitae), Labcorp
Classification: Uncertain significance for Developmental and epileptic encephalopathy, 30. Last evaluated: 2023-11-01. Review status: criteria provided, single submitter. Criteria: Invitae Variant Classification Sherloc (09022015). Collection method: clinical testing. Allele origin: germline.
Comment: This sequence change replaces arginine, which is basic and polar, with leucine, which is neutral and non-polar, at codon 62 of the SIK1 protein (p.Arg62Leu). This variant is present in population databases (rs776866938, gnomAD 0.007%). This variant has not been reported in the literature in individuals affected with SIK1-related conditions. ClinVar contains an entry for this variant (Variation ID: 1428244). An algorithm developed to predict the effect of missense changes on protein structure and function (PolyPhen-2) suggests that this variant is likely to be disruptive. In summary, the available evidence is currently insufficient to determine the role of this variant in disease. Therefore, it has been classified as a Variant of Uncertain Significance.

NM_173354.5(SIK1):c.185G>T (p.Arg62Leu)

Gene: SIK1 (salt inducible kinase 1; minus strand). Cytogenetic location: 21q22.3.
Variant type: single nucleotide variant.
Coding change: c.185G>T on transcript NM_173354.5 (MANE Select); coding-DNA position 185, G replaced by T.
Protein change: p.Arg62Leu; replaces arginine 62 with leucine.
Molecular consequence: missense variant.
Genome position (GRCh38, 1-based): chr21:43,425,495, C>A on the plus strand (G>T on the coding strand, the complement: SIK1 is on the minus strand). VCF-style: chr21-43425495-C-A. GRCh37 (hg19) VCF-style: chr21-44845375-C-A.
Other names: short protein forms R62L.
Identifiers: ClinVar variation 1428244 (VCV001428244.8), dbSNP rs776866938, ClinGen allele CA321329854.